The following is an entry in ClinVar:

NM_000455.5(STK11):c.*413C>A

Gene: STK11 (serine/threonine kinase 11; plus strand). Cytogenetic location: 19p13.3.
Variant type: single nucleotide variant.
Coding change: c.*413C>A on transcript NM_000455.5 (MANE Select); 413 bases downstream of the stop codon, C replaced by A.
Molecular consequence: 3 prime UTR variant.
Genome position (GRCh38, 1-based): chr19:1,227,989, C>A. VCF-style: chr19-1227989-C-A. GRCh37 (hg19) VCF-style: chr19-1227988-C-A.
Identifiers: ClinVar variation 328240 (VCV000328240.6), dbSNP rs533940465, ClinGen allele CA10642309.

ClinVar aggregate classification (germline): Conflicting classifications of pathogenicity. Review status: criteria provided, conflicting classifications (1 of 4 stars). 2 submissions from 2 submitters: Uncertain significance (1); Likely benign (1). Last evaluated 2025-01-27.

Conditions:
Hereditary cancer-predisposing syndrome. Also called: Neoplastic Syndromes, Hereditary; Hereditary Cancer Syndrome; Hereditary neoplastic syndrome; Tumor predisposition. Identifiers: Orphanet 140162, MedGen C0027672, MeSH D009386, MONDO:0015356.
Peutz-Jeghers syndrome (PJS). Also called: POLYPOSIS, HAMARTOMATOUS INTESTINAL; POLYPS-AND-SPOTS SYNDROME; Peutz-Jeghers polyposis; Periorificial lentiginosis syndrome. Identifiers: Orphanet 2869, MedGen C0031269, MeSH D010580, MONDO:0008280, OMIM 175200.

Allele frequency attached by ClinVar (database versions not stated): gnomAD 0.00005 and 0.00006; TOPMed 0.00006; gnomAD exomes 0.00010; 1000 Genomes Project 30x 0.00016; 1000 Genomes Project 0.00020.
gnomAD v4.1: 97 of 1,068,462 alleles (0.0091%); highest among the groups gnomAD compares: Non-Finnish European, 0.011%; no homozygotes.

Submissions (2):

Institute for Biomarker Research, Medical Diagnostic Laboratories, L.L.C.
Classification: Likely benign for Hereditary cancer-predisposing syndrome. Last evaluated: 2025-01-27. Review status: criteria provided, single submitter. Criteria: ACMG Guidelines, 2015. Collection method: clinical testing. Allele origin: germline.
Comment: The 3' UTR variant NM_000455.5(STK11):c.*413C>A has not been reported previously as a pathogenic variant nor as a benign variant, to our knowledge. The variant is observed in one or more well-documented healthy adults. The c.*413C>A variant is a UTR variant. For these reasons, this variant has been classified as Likely Benign.

Illumina Laboratory Services, Illumina
Classification: Uncertain significance for Peutz-Jeghers syndrome. Last evaluated: 2018-01-13. Review status: criteria provided, single submitter. Criteria: ICSL Variant Classification Criteria 13 December 2019. Collection method: clinical testing. Allele origin: germline.